The following is an entry in ClinVar:

NM_000214.3(JAG1):c.2419G>A (p.Glu807Lys)

Gene: JAG1 (jagged canonical Notch ligand 1; minus strand). Cytogenetic location: 20p12.2.
Variant type: single nucleotide variant.
Coding change: c.2419G>A on transcript NM_000214.3 (MANE Select); coding-DNA position 2419, G replaced by A.
Protein change: p.Glu807Lys; replaces glutamic acid 807 with lysine.
Molecular consequence: missense variant.
Genome position (GRCh38, 1-based): chr20:10,643,817, C>T on the plus strand (G>A on the coding strand, the complement: JAG1 is on the minus strand). VCF-style: chr20-10643817-C-T. GRCh37 (hg19) VCF-style: chr20-10624465-C-T.
Other names: short protein forms E807K.
Identifiers: ClinVar variation 1677451 (VCV001677451.3), dbSNP rs564566567, ClinGen allele CA9764506.

ClinVar aggregate classification (germline): Uncertain significance. Review status: criteria provided, multiple submitters, no conflicts (2 of 4 stars). 2 submissions from 2 submitters: Uncertain significance (2). Last evaluated 2025-07-10.

Conditions:
Alagille syndrome due to a JAG1 point mutation. Also called: HEPATIC DUCTULAR HYPOPLASIA, SYNDROMATIC; JAG1-Related Alagille Syndrome; Alagille Syndrome 1. Identifiers: Orphanet 261619, Orphanet 52, MedGen C1956125, MONDO:0016862, OMIM 118450.

Allele frequency attached by ClinVar (database versions not stated): gnomAD 0.00001; gnomAD exomes 0.00001; ExAC 0.00001; TOPMed 0.00002; 1000 Genomes Project 0.00020; 1000 Genomes Project 30x 0.00031.
gnomAD v4.1: 9 of 1,614,066 alleles (0.00056%); highest among the groups gnomAD compares: Admixed American, 0.0017%; no homozygotes.

Submissions (2):

Labcorp Genetics (formerly Invitae), Labcorp
Classification: Uncertain significance for Alagille syndrome due to a JAG1 point mutation. Last evaluated: 2025-07-10. Review status: criteria provided, single submitter. Criteria: Invitae Variant Classification Sherloc (09022015). Collection method: clinical testing. Allele origin: germline.
Comment: This sequence change replaces glutamic acid, which is acidic and polar, with lysine, which is basic and polar, at codon 807 of the JAG1 protein (p.Glu807Lys). This variant is present in population databases (rs564566567, gnomAD 0.003%). This variant has not been reported in the literature in individuals affected with JAG1-related conditions. ClinVar contains an entry for this variant (Variation ID: 1677451). Invitae Evidence Modeling of protein sequence and biophysical properties (such as structural, functional, and spatial information, amino acid conservation, physicochemical variation, residue mobility, and thermodynamic stability) has been performed for this missense variant. However, the output from this modeling did not meet the statistical confidence thresholds required to predict the impact of this variant on JAG1 protein function. In summary, the available evidence is currently insufficient to determine the role of this variant in disease. Therefore, it has been classified as a Variant of Uncertain Significance.

AiLife Diagnostics
Classification: Uncertain significance. Last evaluated: 2021-08-18. Review status: criteria provided, single submitter. Criteria: ACMG Guidelines, 2015. Collection method: clinical testing. Allele origin: germline. Affected: yes. Observed: 1 variant allele.